The following is an entry in ClinVar:

NM_016213.5(TRIP4):c.761G>A (p.Arg254Gln)

Gene: TRIP4 (thyroid hormone receptor interactor 4; plus strand). Cytogenetic location: 15q22.31.
Variant type: single nucleotide variant.
Coding change: c.761G>A on transcript NM_016213.5 (MANE Select); coding-DNA position 761, G replaced by A.
Protein change: p.Arg254Gln; replaces arginine 254 with glutamine.
Molecular consequence: missense variant. On other transcripts: non-coding transcript variant (1).
Genome position (GRCh38, 1-based): chr15:64,406,393, G>A. VCF-style: chr15-64406393-G-A. GRCh37 (hg19) VCF-style: chr15-64698592-G-A.
Other names: c.71G>A, p.Arg24Gln (NM_001321924.2); short protein forms R24Q, R254Q.
Identifiers: ClinVar variation 1310875 (VCV001310875.2), dbSNP rs143968963, ClinGen allele CA7609462.

ClinVar aggregate classification (germline): Uncertain significance (1 of 4 stars; one submission).

Allele frequency attached by ClinVar (database versions not stated): gnomAD 0.00010 and 0.00009; 1000 Genomes Project 30x 0.00016; 1000 Genomes Project 0.00020; ESP Exome Variant Server 0.00023; ExAC 0.00003.
gnomAD v4.1: 29 of 1,614,130 alleles (0.0018%); highest among the groups gnomAD compares: African/African-American, 0.024%; no homozygotes.

Submission:

GeneDx
Classification: Uncertain significance. Last evaluated: 2019-12-13. Review status: criteria provided, single submitter. Criteria: GeneDx Variant Classification Process June 2021. Collection method: clinical testing. Allele origin: germline. Affected: yes.
Comment: In silico analysis, which includes protein predictors and evolutionary conservation, supports that this variant does not alter protein structure/function; Has not been previously published as pathogenic or benign to our knowledge